The following is an entry in ClinVar:

NM_006949.4(STXBP2):c.704G>A (p.Arg235Gln)

Gene: STXBP2 (syntaxin binding protein 2; plus strand). Cytogenetic location: 19p13.2.
Variant type: single nucleotide variant.
Coding change: c.704G>A on transcript NM_006949.4 (MANE Select); coding-DNA position 704, G replaced by A.
Protein change: p.Arg235Gln; replaces arginine 235 with glutamine.
Molecular consequence: missense variant. On other transcripts: non-coding transcript variant (1).
Genome position (GRCh38, 1-based): chr19:7,642,243, G>A. VCF-style: chr19-7642243-G-A. GRCh37 (hg19) VCF-style: chr19-7707129-G-A.
Other names: c.695G>A, p.Arg232Gln (NM_001127396.3); c.737G>A, p.Arg246Gln (NM_001272034.2); short protein forms R232Q, R235Q, R246Q.
Identifiers: ClinVar variation 1001770 (VCV001001770.12), dbSNP rs757488006, ClinGen allele CA9143774.
Genomic context (GRCh38, chr19:7,642,243, plus strand): 5'-TGCCCTAAACCCCACCCCAGGGCCCAGAGAAAACCCGCTCCCAGCTGCTGATAATGGACC[G>A]GGCAGCTGACCCCGTGTCCCCACTACTGCATGAGCTCACGTTCCAGGCCATGGCGTATGA-3'
Protein context (NP_008880.2, residues 225-245): KTRSQLLIMD[Arg235Gln]AADPVSPLLH

ClinVar aggregate classification (germline): Conflicting classifications of pathogenicity. Review status: criteria provided, conflicting classifications (1 of 4 stars). 2 submissions from 2 submitters: Likely pathogenic (1); Uncertain significance (1). Last evaluated 2023-04-24.

Conditions:
Autoinflammatory syndrome. Identifiers: Orphanet 93665, MedGen C3890737, MONDO:0019751.
Familial hemophagocytic lymphohistiocytosis 5. Also called: STXBP2-Related Familial Hemophagocytic Lymphohistiocytosis (STXBP2-fHLH). Identifiers: Orphanet 540, MedGen C2751293, MONDO:0013135, OMIM 613101.

Allele frequency attached by ClinVar (database versions not stated): gnomAD exomes below 0.00001 and 0.00001; ExAC 0.00001.
gnomAD v4.1: 4 of 1,614,084 alleles (0.00025%); highest among the groups gnomAD compares: Admixed American, 0.0017%; no homozygotes.

Submissions (2):

Labcorp Genetics (formerly Invitae), Labcorp
Classification: Likely pathogenic for Familial hemophagocytic lymphohistiocytosis 5. Last evaluated: 2023-04-24. Review status: criteria provided, single submitter. Criteria: Invitae Variant Classification Sherloc (09022015). Collection method: clinical testing. Allele origin: germline.
Comment: ClinVar contains an entry for this variant (Variation ID: 1001770). This missense change has been observed in individual(s) with clinical features of hemophagocytic lymphohistiocytosis (PMID: 34249802). In at least one individual the data is consistent with being in trans (on the opposite chromosome) from a pathogenic variant. This variant is present in population databases (rs757488006, gnomAD 0.0009%). This sequence change replaces arginine, which is basic and polar, with glutamine, which is neutral and polar, at codon 235 of the STXBP2 protein (p.Arg235Gln). Advanced modeling of protein sequence and biophysical properties (such as structural, functional, and spatial information, amino acid conservation, physicochemical variation, residue mobility, and thermodynamic stability) performed at Invitae indicates that this missense variant is expected to disrupt STXBP2 protein function. This variant disrupts the p.Arg235 amino acid residue in STXBP2. Other variant(s) that disrupt this residue have been observed in individuals with STXBP2-related conditions (PMID: 27781387, 34330684), which suggests that this may be a clinically significant amino acid residue. In summary, the currently available evidence indicates that the variant is pathogenic, but additional data are needed to prove that conclusively. Therefore, this variant has been classified as Likely Pathogenic.

Genome Diagnostics Laboratory, The Hospital for Sick Children
Classification: Uncertain significance for Autoinflammatory syndrome. Last evaluated: 2022-04-26. Review status: criteria provided, single submitter. Criteria: ACMG Guidelines, 2015. Collection method: clinical testing. Allele origin: germline. Affected: yes.

Literature cited by the submitters: PubMed 34249802 (cited by Labcorp Genetics (formerly Invitae), Labcorp); PubMed 27781387 (cited by Labcorp Genetics (formerly Invitae), Labcorp); PubMed 34330684 (cited by Labcorp Genetics (formerly Invitae), Labcorp).